The following is an entry in ClinVar:

ClinVar aggregate classification (germline): Uncertain significance (1 of 4 stars; one submission).

Submission:

Labcorp Genetics (formerly Invitae), Labcorp
Classification: Uncertain significance. Last evaluated: 2025-12-08. Review status: criteria provided, single submitter. Criteria: Invitae Variant Classification Sherloc (09022015). Collection method: clinical testing. Allele origin: germline.
Comment: This sequence change replaces tyrosine, which is neutral and polar, with cysteine, which is neutral and slightly polar, at codon 1225 of the DUOX2 protein (p.Tyr1225Cys). This variant is not present in population databases (gnomAD no frequency). This variant has not been reported in the literature in individuals affected with DUOX2-related conditions. ClinVar contains an entry for this variant (Variation ID: 1910645). Invitae Evidence Modeling of protein sequence and biophysical properties (such as structural, functional, and spatial information, amino acid conservation, physicochemical variation, residue mobility, and thermodynamic stability) indicates that this missense variant is expected to disrupt DUOX2 protein function with a positive predictive value of 80%. In summary, the available evidence is currently insufficient to determine the role of this variant in disease. Therefore, it has been classified as a Variant of Uncertain Significance.

NM_001363711.2(DUOX2):c.3674A>G (p.Tyr1225Cys)

Gene: DUOX2 (dual oxidase 2; minus strand). Cytogenetic location: 15q21.1.
Variant type: single nucleotide variant.
Coding change: c.3674A>G on transcript NM_001363711.2 (MANE Select); coding-DNA position 3674, A replaced by G.
Protein change: p.Tyr1225Cys; replaces tyrosine 1225 with cysteine.
Molecular consequence: missense variant.
Genome position (GRCh38, 1-based): chr15:45,097,633, T>C on the plus strand (A>G on the coding strand, the complement: DUOX2 is on the minus strand). VCF-style: chr15-45097633-T-C. GRCh37 (hg19) VCF-style: chr15-45389831-T-C.
Other names: c.3674A>G, p.Tyr1225Cys (NM_014080.5); short protein forms Y1225C.
Identifiers: ClinVar variation 1910645 (VCV001910645.5), dbSNP rs2504744311, ClinGen allele CA392255657.
Genomic context (GRCh38, chr15:45,097,633, plus strand): 5'-GAGCTCCCTGCTCCATGGGCTGGCCCAGGGAAGTCCCTCACCAGGGCATAGAGCAGGATG[T>C]AGAGGTGGTGGGTCAGCCAGAAGCCCCGGAAGCTGCGGCGGCGGAAGTGGTGGGAGGCGA-3'
Protein context (NP_001350640.1, residues 1215-1235): FRGFWLTHHL[Tyr1225Cys]ILLYALLIIH